The following is an entry in ClinVar:

ClinVar aggregate classification (germline): Uncertain significance. Review status: criteria provided, multiple submitters, no conflicts (2 of 4 stars). 2 submissions from 2 submitters: Uncertain significance (2). Last evaluated 2025-07-14.

Conditions:
Spondylometaphyseal dysplasia-cone-rod dystrophy syndrome. Identifiers: Orphanet 85167, MedGen C1837073, MONDO:0012160, OMIM 608940.

Allele frequency attached by ClinVar (database versions not stated): gnomAD exomes 0.00001; ExAC 0.00002; gnomAD 0.00002 and 0.00003; TOPMed 0.00003; ESP Exome Variant Server 0.00015.
gnomAD v4.1: 44 of 1,587,326 alleles (0.0028%); highest among the groups gnomAD compares: Middle Eastern, 0.017%; no homozygotes.

Submissions (2):

Labcorp Genetics (formerly Invitae), Labcorp
Classification: Uncertain significance. Last evaluated: 2025-07-14. Review status: criteria provided, single submitter. Criteria: Invitae Variant Classification Sherloc (09022015). Collection method: clinical testing. Allele origin: germline.
Comment: This sequence change replaces arginine, which is basic and polar, with glutamine, which is neutral and polar, at codon 75 of the PCYT1A protein (p.Arg75Gln). This variant is present in population databases (rs369594442, gnomAD 0.004%). This variant has not been reported in the literature in individuals affected with PCYT1A-related conditions. ClinVar contains an entry for this variant (Variation ID: 862949). Invitae Evidence Modeling of protein sequence and biophysical properties (such as structural, functional, and spatial information, amino acid conservation, physicochemical variation, residue mobility, and thermodynamic stability) indicates that this missense variant is expected to disrupt PCYT1A protein function with a positive predictive value of 80%. In summary, the available evidence is currently insufficient to determine the role of this variant in disease. Therefore, it has been classified as a Variant of Uncertain Significance.

Blueprint Genetics
Classification: Uncertain significance. Last evaluated: 2020-06-18. Review status: criteria provided, single submitter. Criteria: ACMG Guidelines, 2015. Collection method: clinical testing. Allele origin: germline.

NM_001312673.2(PCYT1A):c.224G>A (p.Arg75Gln)

Gene: PCYT1A (phosphate cytidylyltransferase 1A, choline; minus strand). Cytogenetic location: 3q29.
Variant type: single nucleotide variant.
Coding change: c.224G>A on transcript NM_001312673.2 (MANE Select); coding-DNA position 224, G replaced by A.
Protein change: p.Arg75Gln; replaces arginine 75 with glutamine.
Molecular consequence: missense variant.
Genome position (GRCh38, 1-based): chr3:196,248,317, C>T on the plus strand (G>A on the coding strand, the complement: PCYT1A is on the minus strand). VCF-style: chr3-196248317-C-T. GRCh37 (hg19) VCF-style: chr3-195975188-C-T.
Other names: c.224G>A, p.Arg75Gln (NM_005017.4); short protein forms R75Q.
Identifiers: ClinVar variation 862949 (VCV000862949.8), dbSNP rs369594442, ClinGen allele CA2779587.